The following is an entry in ClinVar:

ClinVar aggregate classification (germline): Uncertain significance (1 of 4 stars; one submission).

Conditions:
Hypertrophic cardiomyopathy 26. Also called: Cardiomyopathy, familial hypertrophic, 26. Identifiers: Orphanet 75249, MedGen C4310749, MONDO:0014883, OMIM 617047.
Myofibrillar myopathy 5. Also called: Filaminopathy (type); FILAMINOPATHY, AUTOSOMAL DOMINANT. Identifiers: Orphanet 171445, MedGen C1836050, MONDO:0012289, OMIM 609524.
Distal myopathy with posterior leg and anterior hand involvement. Also called: WILLIAMS DISTAL MYOPATHY. Identifiers: Orphanet 63273, MedGen C3279722, MONDO:0013550, OMIM 614065.

Submission:

Labcorp Genetics (formerly Invitae), Labcorp
Classification: Uncertain significance for Distal myopathy with posterior leg and anterior hand involvement; Myofibrillar myopathy 5; Hypertrophic cardiomyopathy 26. Last evaluated: 2026-01-04. Review status: criteria provided, single submitter. Criteria: Invitae Variant Classification Sherloc (09022015). Collection method: clinical testing. Allele origin: germline.
Comment: This sequence change replaces histidine, which is basic and polar, with proline, which is neutral and non-polar, at codon 924 of the FLNC protein (p.His924Pro). This variant is not present in population databases (gnomAD no frequency). This variant has not been reported in the literature in individuals affected with FLNC-related conditions. ClinVar contains an entry for this variant (Variation ID: 2941305). Invitae Evidence Modeling of protein sequence and biophysical properties (such as structural, functional, and spatial information, amino acid conservation, physicochemical variation, residue mobility, and thermodynamic stability) has been performed for this missense variant. However, the output from this modeling did not meet the statistical confidence thresholds required to predict the impact of this variant on FLNC protein function. In summary, the available evidence is currently insufficient to determine the role of this variant in disease. Therefore, it has been classified as a Variant of Uncertain Significance.

NM_001458.5(FLNC):c.2771A>C (p.His924Pro)

Gene: FLNC (filamin C; plus strand). Cytogenetic location: 7q32.1.
Variant type: single nucleotide variant.
Coding change: c.2771A>C on transcript NM_001458.5 (MANE Select); coding-DNA position 2771, A replaced by C.
Protein change: p.His924Pro; replaces histidine 924 with proline.
Molecular consequence: missense variant.
Genome position (GRCh38, 1-based): chr7:128,843,537, A>C. VCF-style: chr7-128843537-A-C. GRCh37 (hg19) VCF-style: chr7-128483591-A-C.
Other names: c.2771A>C, p.His924Pro (NM_001127487.2); short protein forms H924P.
Identifiers: ClinVar variation 2941305 (VCV002941305.3), dbSNP rs764784826, ClinGen allele CA369193214.